The following is an entry in ClinVar:

ClinVar aggregate classification (germline): Uncertain significance (1 of 4 stars; one submission).

gnomAD v4.1: 72 of 1,580,962 alleles (0.0046%); highest among the groups gnomAD compares: Non-Finnish European, 0.0059%; no homozygotes.

Submission:

Labcorp Genetics (formerly Invitae), Labcorp
Classification: Uncertain significance. Last evaluated: 2025-10-08. Review status: criteria provided, single submitter. Criteria: Invitae Variant Classification Sherloc (09022015). Collection method: clinical testing. Allele origin: germline.
Comment: This sequence change creates a premature translational stop signal (p.Gln98*) in the RBM48 gene. It is expected to result in an absent or disrupted protein product. However, the current clinical and genetic evidence is not sufficient to establish whether loss-of-function variants in RBM48 cause disease. This variant is present in population databases (rs200741756, gnomAD 0.02%). This variant has not been reported in the literature in individuals affected with RBM48-related conditions. Experimental studies and prediction algorithms are not available or were not evaluated, and the functional significance of this variant is currently unknown. In summary, the available evidence is currently insufficient to determine the role of this variant in disease. Therefore, it has been classified as a Variant of Uncertain Significance.

NM_032120.4(RBM48):c.292C>T (p.Gln98Ter)

Gene: RBM48 (RNA binding motif protein 48; plus strand). Cytogenetic location: 7q21.2.
Variant type: single nucleotide variant.
Coding change: c.292C>T on transcript NM_032120.4 (MANE Select); coding-DNA position 292, C replaced by T.
Protein change: p.Gln98Ter; replaces glutamine 98 with a stop codon.
Molecular consequence: nonsense. On other transcripts: 5 prime UTR variant (1).
Genome position (GRCh38, 1-based): chr7:92,529,656, C>T. VCF-style: chr7-92529656-C-T. GRCh37 (hg19) VCF-style: chr7-92158970-C-T.
Other names: c.292C>T, p.Gln98Ter (NM_001363366.1); c.-398C>T (NM_001363367.1); short protein forms Q98*.
Identifiers: ClinVar variation 4736895 (VCV004736895.1).